The following is an entry in ClinVar:

NM_000273.3(GPR143):c.158G>A (p.Arg53Gln)

Gene: GPR143 (G protein-coupled receptor 143; minus strand). Cytogenetic location: Xp22.2.
Variant type: single nucleotide variant.
Coding change: c.158G>A on transcript NM_000273.3 (MANE Select); coding-DNA position 158, G replaced by A.
Protein change: p.Arg53Gln; replaces arginine 53 with glutamine.
Molecular consequence: missense variant.
Genome position (GRCh38, 1-based): chrX:9,765,660, C>T on the plus strand (G>A on the coding strand, the complement: GPR143 is on the minus strand). VCF-style: chrX-9765660-C-T. GRCh37 (hg19) VCF-style: chrX-9733700-C-T.
Other names: short protein forms R53Q.
Identifiers: ClinVar variation 1010758 (VCV001010758.8), dbSNP rs1373800656, ClinGen allele CA412000624.

ClinVar aggregate classification (germline): Uncertain significance (1 of 4 stars; one submission).

Allele frequency attached by ClinVar (database versions not stated): gnomAD exomes below 0.00001 and 0.00016; TOPMed 0.00001; gnomAD 0.00002.
gnomAD v4.1: 6 of 991,078 alleles (0.00061%); highest among the groups gnomAD compares: African/African-American, 0.004%; no homozygotes.

Submission:

Labcorp Genetics (formerly Invitae), Labcorp
Classification: Uncertain significance. Last evaluated: 2022-03-03. Review status: criteria provided, single submitter. Criteria: Invitae Variant Classification Sherloc (09022015). Collection method: clinical testing. Allele origin: germline.
Comment: In summary, the available evidence is currently insufficient to determine the role of this variant in disease. Therefore, it has been classified as a Variant of Uncertain Significance. Algorithms developed to predict the effect of sequence changes on RNA splicing suggest that this variant may create or strengthen a splice site. Algorithms developed to predict the effect of missense changes on protein structure and function output the following: SIFT: "Tolerated"; PolyPhen-2: "Possibly Damaging"; Align-GVGD: "Class C0". The glutamine amino acid residue is found in multiple mammalian species, which suggests that this missense change does not adversely affect protein function. ClinVar contains an entry for this variant (Variation ID: 1010758). This variant has not been reported in the literature in individuals affected with GPR143-related conditions. This variant is present in population databases (no rsID available, gnomAD 0.03%). This sequence change replaces arginine, which is basic and polar, with glutamine, which is neutral and polar, at codon 53 of the GPR143 protein (p.Arg53Gln).